The following is an entry in ClinVar:

ClinVar aggregate classification (germline): Pathogenic (1 of 4 stars; one submission).

gnomAD v4.1: 8 of 1,612,878 alleles (0.0005%); highest among the groups gnomAD compares: Non-Finnish European, 0.00068%; no homozygotes.

Submission:

Labcorp Genetics (formerly Invitae), Labcorp
Classification: Pathogenic. Last evaluated: 2024-02-07. Review status: criteria provided, single submitter. Criteria: Invitae Variant Classification Sherloc (09022015). Collection method: clinical testing. Allele origin: germline.
Comment: This sequence change creates a premature translational stop signal (p.Arg987*) in the UBR1 gene. It is expected to result in an absent or disrupted protein product. Loss-of-function variants in UBR1 are known to be pathogenic (PMID: 24599544). This variant is present in population databases (no rsID available, gnomAD 0.002%). This variant has not been reported in the literature in individuals affected with UBR1-related conditions. For these reasons, this variant has been classified as Pathogenic.

Literature cited by the submitters: PubMed 24599544.

NM_174916.3(UBR1):c.2959C>T (p.Arg987Ter)

Gene: UBR1 (ubiquitin protein ligase E3 component n-recognin 1; minus strand). Cytogenetic location: 15q15.2.
Variant type: single nucleotide variant.
Coding change: c.2959C>T on transcript NM_174916.3 (MANE Select); coding-DNA position 2959, C replaced by T.
Protein change: p.Arg987Ter; replaces arginine 987 with a stop codon.
Molecular consequence: nonsense.
Genome position (GRCh38, 1-based): chr15:43,017,163, G>A on the plus strand (C>T on the coding strand, the complement: UBR1 is on the minus strand). VCF-style: chr15-43017163-G-A. GRCh37 (hg19) VCF-style: chr15-43309361-G-A.
Other names: short protein forms R987*.
Identifiers: ClinVar variation 3713169 (VCV003713169.2), dbSNP rs1249254589.
Genomic context (GRCh38, chr15:43,017,163, plus strand): 5'-TCTTAATAGATTCCGATCCTGATGTGGTTGCTACAATTAAACAAGATTTTTCTCTTAATC[G>A]CTTCACTGTGTCAAACATCTGTGAAAAACAGATGAAACGTTAAAAGAGTTAGTTAGACTG-3'